The following is an entry in ClinVar:

ClinVar aggregate classification (germline): Uncertain significance. Review status: criteria provided, multiple submitters, no conflicts (2 of 4 stars). 3 submissions from 3 submitters: Uncertain significance (2). 1 of the submissions does not count toward it. Last evaluated 2025-05-19.

Conditions:
PLXNA2-related disorder. Also called: PLXNA2-related condition.

Allele frequency attached by ClinVar (database versions not stated): ExAC 0.00005; gnomAD 0.00006; TOPMed 0.00007.
gnomAD v4.1: 132 of 1,614,034 alleles (0.0082%); highest among the groups gnomAD compares: Non-Finnish European, 0.01%; no homozygotes.

Submissions (3):

Ambry Genetics
Classification: Uncertain significance. Last evaluated: 2025-05-19. Review status: criteria provided, single submitter. Criteria: Ambry Variant Classification Scheme 2023. Collection method: clinical testing. Allele origin: germline.

Labcorp Genetics (formerly Invitae), Labcorp
Classification: Uncertain significance. Last evaluated: 2022-03-28. Review status: criteria provided, single submitter. Criteria: Invitae Variant Classification Sherloc (09022015). Collection method: clinical testing. Allele origin: germline.
Comment: In summary, the available evidence is currently insufficient to determine the role of this variant in disease. Therefore, it has been classified as a Variant of Uncertain Significance. Algorithms developed to predict the effect of missense changes on protein structure and function (SIFT, PolyPhen-2, Align-GVGD) all suggest that this variant is likely to be disruptive. This variant has not been reported in the literature in individuals affected with PLXNA2-related conditions. This variant is present in population databases (rs752862705, gnomAD 0.01%). This sequence change replaces tryptophan, which is neutral and slightly polar, with leucine, which is neutral and non-polar, at codon 1748 of the PLXNA2 protein (p.Trp1748Leu).

PreventionGenetics, part of Exact Sciences
Classification: Uncertain significance for PLXNA2-related condition. Last evaluated: 2024-05-31. Review status: no assertion criteria provided. Collection method: clinical testing. Allele origin: germline. Not counted in ClinVar's aggregate classification.
Comment: The PLXNA2 c.5243G>T variant is predicted to result in the amino acid substitution p.Trp1748Leu. To our knowledge, this variant has not been reported in the literature. This variant is reported in 0.012% of alleles in individuals of African descent in gnomAD. At this time, the clinical significance of this variant is uncertain due to the absence of conclusive functional and genetic evidence.

NM_025179.4(PLXNA2):c.5243G>T (p.Trp1748Leu)

Gene: PLXNA2 (plexin A2; minus strand). Cytogenetic location: 1q32.2.
Variant type: single nucleotide variant.
Coding change: c.5243G>T on transcript NM_025179.4 (MANE Select); coding-DNA position 5243, G replaced by T.
Protein change: p.Trp1748Leu; replaces tryptophan 1748 with leucine.
Molecular consequence: missense variant.
Genome position (GRCh38, 1-based): chr1:208,029,025, C>A on the plus strand (G>T on the coding strand, the complement: PLXNA2 is on the minus strand). VCF-style: chr1-208029025-C-A. GRCh37 (hg19) VCF-style: chr1-208202370-C-A.
Other names: c.5243G>T (NM_025179.3); short protein forms W1748L.
Identifiers: ClinVar variation 1979170 (VCV001979170.6), dbSNP rs752862705, ClinGen allele CA1372601.